The following is an entry in ClinVar:

ClinVar aggregate classification (germline): Uncertain significance (1 of 4 stars; one submission).

Conditions:
Inborn genetic diseases. Identifiers: MedGen C0950123, MeSH D030342.

gnomAD v4.1: 1 of 1,613,854 alleles (0.000062%); highest among the groups gnomAD compares: Non-Finnish European, 0.000085%; no homozygotes.

Submission:

Ambry Genetics
Classification: Uncertain significance for Inborn genetic diseases. Last evaluated: 2026-02-24. Review status: criteria provided, single submitter. Criteria: Ambry Variant Classification Scheme 2023. Collection method: clinical testing. Allele origin: germline.
Comment: The p.G110D variant (also known as c.329G>A) is located in coding exon 4 of the ETV6 gene. The glycine at codon 110 is replaced by aspartic acid, an amino acid with similar properties. This change occurs in the first base pair of coding exon 4. This amino acid position is conserved. In addition, this alteration is predicted to be deleterious by in silico analysis. Based on the available evidence, the clinical significance of this variant remains unclear.

NM_001987.5(ETV6):c.329G>A (p.Gly110Asp)

Gene: ETV6 (ETS variant transcription factor 6; plus strand). Cytogenetic location: 12p13.2.
Variant type: single nucleotide variant.
Coding change: c.329G>A on transcript NM_001987.5 (MANE Select); coding-DNA position 329, G replaced by A.
Protein change: p.Gly110Asp; replaces glycine 110 with aspartic acid.
Molecular consequence: missense variant.
Genome position (GRCh38, 1-based): chr12:11,853,427, G>A. VCF-style: chr12-11853427-G-A. GRCh37 (hg19) VCF-style: chr12-12006361-G-A.
Other names: c.326G>A, p.Gly109Asp (NM_001413913.1); c.302G>A, p.Gly101Asp (NM_001413914.1); c.65G>A, p.Gly22Asp (NM_001413915.1); c.329G>A, p.Gly110Asp (NM_001413916.1, NM_001413917.1); short protein forms G109D, G110D, G101D, G22D.
Identifiers: ClinVar variation 4826543 (VCV004826543.1).